The following is an entry in ClinVar:

NM_001369268.1(ACAN):c.7455C>A (p.Cys2485Ter)

Gene: ACAN (aggrecan; plus strand). Cytogenetic location: 15q26.1.
Variant type: single nucleotide variant.
Coding change: c.7455C>A on transcript NM_001369268.1 (MANE Select); coding-DNA position 7455, C replaced by A.
Protein change: p.Cys2485Ter; replaces cysteine 2485 with a stop codon.
Molecular consequence: nonsense. On other transcripts: intron variant (1).
Genome position (GRCh38, 1-based): chr15:88,873,849, C>A. VCF-style: chr15-88873849-C-A. GRCh37 (hg19) VCF-style: chr15-89417080-C-A.
Other names: c.7227C>A, p.Cys2409Ter (NM_001411096.1); c.7341C>A, p.Cys2447Ter (NM_001411097.1, NM_013227.4); c.7220-556C>A (NM_001135.4); short protein forms C2409*, C2447*, C2485*.
Identifiers: ClinVar variation 3342537 (VCV003342537.1).
Genomic context (GRCh38, chr15:88,873,849, plus strand): 5'-GGTCATCCCAGGAGACCCTATGAGACCCTTTATAAAGGGTGTTTGCCCCTCAGTGGCCTG[C>A]GGAGAGCCCCCTGTGGTGGAGCATGCCAGGACCTTCGGGCAGAAGAAGGACCGGTATGAG-3'

ClinVar aggregate classification (germline): Pathogenic (1 of 4 stars; one submission).

Submission:

GeneDx
Classification: Pathogenic. Last evaluated: 2023-12-18. Review status: criteria provided, single submitter. Criteria: GeneDx Variant Classification Process June 2021. Collection method: clinical testing. Allele origin: germline. Affected: yes.
Comment: Nonsense variant predicted to result in protein truncation or nonsense mediated decay in a gene for which loss of function is a known mechanism of disease; Not observed at significant frequency in large population cohorts (gnomAD); Has not been previously published as pathogenic or benign to our knowledge